The following is an entry in ClinVar:

ClinVar aggregate classification (germline): Conflicting classifications of pathogenicity. Review status: criteria provided, conflicting classifications (1 of 4 stars). 2 submissions from 2 submitters: Uncertain significance (1); Likely benign (1). Last evaluated 2026-01-21.

Conditions:
Inborn genetic diseases. Identifiers: MedGen C0950123, MeSH D030342.

Allele frequency attached by ClinVar (database versions not stated): ExAC 0.00002; gnomAD exomes 0.00004 and 0.00021; gnomAD 0.00009 and 0.00010; TOPMed 0.00009.
gnomAD v4.1: 308 of 1,613,366 alleles (0.019%); highest among the groups gnomAD compares: Non-Finnish European, 0.025%; no homozygotes.

Submissions (2):

Labcorp Genetics (formerly Invitae), Labcorp
Classification: Uncertain significance. Last evaluated: 2026-01-21. Review status: criteria provided, single submitter. Criteria: Invitae Variant Classification Sherloc (09022015). Collection method: clinical testing. Allele origin: germline.
Comment: This sequence change replaces valine, which is neutral and non-polar, with alanine, which is neutral and non-polar, at codon 756 of the PDE4D protein (p.Val756Ala). This variant is present in population databases (rs765380141, gnomAD 0.01%), and has an allele count higher than expected for a pathogenic variant. This variant has not been reported in the literature in individuals affected with PDE4D-related conditions. ClinVar contains an entry for this variant (Variation ID: 1348345). Invitae Evidence Modeling of protein sequence and biophysical properties (such as structural, functional, and spatial information, amino acid conservation, physicochemical variation, residue mobility, and thermodynamic stability) indicates that this missense variant is not expected to disrupt PDE4D protein function with a negative predictive value of 80%. In summary, the available evidence is currently insufficient to determine the role of this variant in disease. Therefore, it has been classified as a Variant of Uncertain Significance.

Ambry Genetics
Classification: Likely benign for Inborn genetic diseases. Last evaluated: 2024-02-05. Review status: criteria provided, single submitter. Criteria: Ambry Variant Classification Scheme 2023. Collection method: clinical testing. Allele origin: germline.

NM_001104631.2(PDE4D):c.2267T>C (p.Val756Ala)

Gene: PDE4D (phosphodiesterase 4D; minus strand). Cytogenetic location: 5q11.2.
Variant type: single nucleotide variant.
Coding change: c.2267T>C on transcript NM_001104631.2 (MANE Select); coding-DNA position 2267, T replaced by C.
Protein change: p.Val756Ala; replaces valine 756 with alanine.
Molecular consequence: missense variant.
Genome position (GRCh38, 1-based): chr5:58,974,827, A>G on the plus strand (T>C on the coding strand, the complement: PDE4D is on the minus strand). VCF-style: chr5-58974827-A-G. GRCh37 (hg19) VCF-style: chr5-58270654-A-G.
Other names: c.2267T>C (NM_001104631.1); c.2084T>C, p.Val695Ala (NM_001165899.2, NM_001364599.1); c.2075T>C, p.Val692Ala (NM_001197218.2); c.1901T>C, p.Val634Ala (NM_001197219.2); c.1877T>C, p.Val626Ala (NM_001197220.2); c.1361T>C, p.Val454Ala (NM_001197221.2, NM_001364603.1); c.1595T>C, p.Val532Ala (NM_001197222.2); c.1394T>C, p.Val465Ala (NM_001197223.2); and 4 more; short protein forms V500A, V532A, V634A, V465A, V646A, V685A, V454A, V695A.
Identifiers: ClinVar variation 1348345 (VCV001348345.7), dbSNP rs765380141, ClinGen allele CA3275908.